The following is an entry in ClinVar:

NM_006648.4(WNK2):c.4996G>T (p.Asp1666Tyr)

Gene: WNK2 (WNK lysine deficient protein kinase 2; plus strand). Cytogenetic location: 9q22.31.
Variant type: single nucleotide variant.
Coding change: c.4996G>T on transcript NM_006648.4 (MANE Select); coding-DNA position 4996, G replaced by T.
Protein change: p.Asp1666Tyr; replaces aspartic acid 1666 with tyrosine.
Molecular consequence: missense variant.
Genome position (GRCh38, 1-based): chr9:93,292,367, G>T. VCF-style: chr9-93292367-G-T. GRCh37 (hg19) VCF-style: chr9-96054649-G-T.
Other names: c.5107G>T, p.Asp1703Tyr (NM_001282394.3); short protein forms D1666Y, D1703Y.
Identifiers: ClinVar variation 4866759 (VCV004866759.1).

ClinVar aggregate classification (germline): Uncertain significance (1 of 4 stars; one submission).

gnomAD v4.1: 1 of 1,613,984 alleles (0.000062%); highest among the groups gnomAD compares: South Asian, 0.0011%; no homozygotes.

Submission:

Ambry Genetics
Classification: Uncertain significance. Last evaluated: 2026-06-13. Review status: criteria provided, single submitter. Criteria: Ambry Variant Classification Scheme 2023. Collection method: clinical testing. Allele origin: germline.
Comment: The p.D1666Y variant (also known as c.4996G>T), located in coding exon 21 of the WNK2 gene, results from a G to T substitution at nucleotide position 4996. The aspartic acid at codon 1666 is replaced by tyrosine, an amino acid with highly dissimilar properties. This amino acid position is conserved. In addition, this alteration is predicted to be tolerated by in silico analysis. Based on the available evidence, the clinical significance of this variant remains unclear.